The following is an entry in ClinVar:

ClinVar aggregate classification (germline): Uncertain significance (1 of 4 stars; one submission).

Conditions:
GM3 synthase deficiency (SPDRS). Also called: SALT AND PEPPER MENTAL RETARDATION SYNDROME; SALT AND PEPPER DEVELOPMENTAL REGRESSION SYNDROME; AMISH INFANTILE EPILEPSY SYNDROME. Identifiers: Orphanet 171714, Orphanet 370933, MedGen C1836824, MONDO:0018274, OMIM 609056.

Submission:

Labcorp Genetics (formerly Invitae), Labcorp
Classification: Uncertain significance for Salt and pepper developmental regression syndrome. Last evaluated: 2018-08-25. Review status: criteria provided, single submitter. Criteria: Invitae Variant Classification Sherloc (09022015). Collection method: clinical testing. Allele origin: germline.
Comment: This sequence change replaces glycine with glutamic acid at codon 163 of the ST3GAL5 protein (p.Gly163Glu). The glycine residue is highly conserved and there is a moderate physicochemical difference between glycine and glutamic acid. This variant is not present in population databases (ExAC no frequency). This variant has not been reported in the literature in individuals with ST3GAL5-related disease. Algorithms developed to predict the effect of missense changes on protein structure and function (SIFT, PolyPhen-2, Align-GVGD) all suggest that this variant is likely to be disruptive, but these predictions have not been confirmed by published functional studies and their clinical significance is uncertain. In summary, the available evidence is currently insufficient to determine the role of this variant in disease. Therefore, it has been classified as a Variant of Uncertain Significance.

NM_003896.4(ST3GAL5):c.488G>A (p.Gly163Glu)

Gene: ST3GAL5 (ST3 beta-galactoside alpha-2,3-sialyltransferase 5; minus strand). Cytogenetic location: 2p11.2.
Variant type: single nucleotide variant.
Coding change: c.488G>A on transcript NM_003896.4 (MANE Select); coding-DNA position 488, G replaced by A.
Protein change: p.Gly163Glu; replaces glycine 163 with glutamic acid.
Molecular consequence: missense variant. On other transcripts: 5 prime UTR variant (1).
Genome position (GRCh38, 1-based): chr2:85,848,035, C>T on the plus strand (G>A on the coding strand, the complement: ST3GAL5 is on the minus strand). VCF-style: chr2-85848035-C-T. GRCh37 (hg19) VCF-style: chr2-86075158-C-T.
Other names: c.419G>A, p.Gly140Glu (NM_001042437.2); c.104G>A, p.Gly35Glu (NM_001354223.2, NM_001354224.2, NM_001354226.2 and 3 more transcripts); c.404G>A, p.Gly135Glu (NM_001354227.2, NM_001354229.2, NM_001354238.1); c.-417G>A (NM_001354247.1); c.488G>A, p.Gly163Glu (NM_001363847.1); short protein forms G140E, G135E, G163E, G35E.
Identifiers: ClinVar variation 648244 (VCV000648244.1), dbSNP rs1573596219, ClinGen allele CA347532373.